The following is an entry in ClinVar:

NM_005149.3(TBX19):c.535C>T (p.Arg179Ter)

Gene: TBX19 (T-box transcription factor 19; plus strand). Cytogenetic location: 1q24.2.
Variant type: single nucleotide variant.
Coding change: c.535C>T on transcript NM_005149.3 (MANE Select); coding-DNA position 535, C replaced by T.
Protein change: p.Arg179Ter; replaces arginine 179 with a stop codon.
Molecular consequence: nonsense.
Genome position (GRCh38, 1-based): chr1:168,293,210, C>T. VCF-style: chr1-168293210-C-T. GRCh37 (hg19) VCF-style: chr1-168262448-C-T.
Other names: short protein forms R179*.
Identifiers: ClinVar variation 293458 (VCV000293458.12), dbSNP rs200197424, ClinGen allele CA1230523.

ClinVar aggregate classification (germline): Pathogenic. Review status: criteria provided, multiple submitters, no conflicts (2 of 4 stars). 3 submissions from 3 submitters: Pathogenic (2). 1 of the submissions does not count toward it. Last evaluated 2023-06-09.

Conditions:
Congenital isolated adrenocorticotropic hormone deficiency. Also called: ACTH DEFICIENCY, ISOLATED; ACTH deficiency; Adrenocorticotropic hormone deficiency. Identifiers: Orphanet 199296, MedGen C0342388, MONDO:0008720, OMIM 201400, HP:0011748.

Allele frequency attached by ClinVar (database versions not stated): gnomAD 0.00003 and 0.00004; TOPMed 0.00003; ExAC 0.00004; gnomAD exomes 0.00005 and 0.00006; 1000 Genomes Project 30x 0.00016; 1000 Genomes Project 0.00020.

Submissions (3):

GeneDx
Classification: Pathogenic. Last evaluated: 2023-06-09. Review status: criteria provided, single submitter. Criteria: GeneDx Variant Classification Process June 2021. Collection method: clinical testing. Allele origin: germline. Affected: yes.
Comment: Nonsense variant predicted to result in protein truncation or nonsense mediated decay in a gene for which loss-of-function is a known mechanism of disease; This variant is associated with the following publications: (PMID: 25525159, 15613420, 31589614, 33423260, 33098107, 12651888)

Labcorp Genetics (formerly Invitae), Labcorp
Classification: Pathogenic. Last evaluated: 2022-05-15. Review status: criteria provided, single submitter. Criteria: Invitae Variant Classification Sherloc (09022015). Collection method: clinical testing. Allele origin: germline.
Comment: For these reasons, this variant has been classified as Pathogenic. Algorithms developed to predict the effect of sequence changes on RNA splicing suggest that this variant may disrupt the consensus splice site. ClinVar contains an entry for this variant (Variation ID: 293458). This sequence change creates a premature translational stop signal (p.Arg179*) in the TBX19 gene. It is expected to result in an absent or disrupted protein product. Loss-of-function variants in TBX19 are known to be pathogenic (PMID: 22170728). This variant is present in population databases (rs200197424, gnomAD 0.01%). This premature translational stop signal has been observed in individual(s) with isolated adrenocorticotropic hormone deficiency (PMID: 12651888, 33423260).

Clinical Molecular Genetics Laboratory, Johns Hopkins All Children's Hospital
Classification: Pathogenic for Congenital isolated adrenocorticotropic hormone deficiency. Last evaluated: 2014-05-28. Review status: no assertion criteria provided. Collection method: clinical testing. Allele origin: germline. Affected: yes. Not counted in ClinVar's aggregate classification.

Literature cited by the submitters: PubMed 22170728 (cited by Labcorp Genetics (formerly Invitae), Labcorp); PubMed 12651888 (cited by Labcorp Genetics (formerly Invitae), Labcorp); PubMed 33423260 (cited by Labcorp Genetics (formerly Invitae), Labcorp).